The following is an entry in ClinVar:

ClinVar aggregate classification (germline): Uncertain significance. Review status: criteria provided, multiple submitters, no conflicts (2 of 4 stars). 3 submissions from 3 submitters: Uncertain significance (3). Last evaluated 2026-07-28.

Conditions:
Hereditary cancer-predisposing syndrome. Also called: Hereditary Cancer Syndrome; Tumor predisposition; Hereditary neoplastic syndrome; Neoplastic Syndromes, Hereditary. Identifiers: Orphanet 140162, MedGen C0027672, MeSH D009386, MONDO:0015356.
Neuroblastoma, susceptibility to, 3. Also called: ALK-Related Neuroblastic Tumor Susceptibility. Identifiers: Orphanet 635, MedGen C2751681, MONDO:0013083, OMIM 613014.

Allele frequency attached by ClinVar (database versions not stated): gnomAD 0.00001; TOPMed 0.00001.
gnomAD v4.1: 7 of 1,601,706 alleles (0.00044%); highest among the groups gnomAD compares: Non-Finnish European, 0.00051%; no homozygotes.

Submissions (3):

Ambry Genetics
Classification: Uncertain significance for Hereditary cancer-predisposing syndrome. Last evaluated: 2026-07-28. Review status: criteria provided, single submitter. Criteria: Ambry Variant Classification Scheme 2023. Collection method: clinical testing. Allele origin: germline.
Comment: The p.G914R variant (also known as c.2740G>A), located in coding exon 16 of the ALK gene, results from a G to A substitution at nucleotide position 2740. The glycine at codon 914 is replaced by arginine, an amino acid with dissimilar properties. This amino acid position is highly conserved in available vertebrate species. In addition, this alteration is predicted to be deleterious by in silico analysis. Based on the available evidence, the clinical significance of this variant remains unclear.

Labcorp Genetics (formerly Invitae), Labcorp
Classification: Uncertain significance for Neuroblastoma, susceptibility to, 3. Last evaluated: 2025-01-21. Review status: criteria provided, single submitter. Criteria: Invitae Variant Classification Sherloc (09022015). Collection method: clinical testing. Allele origin: germline.
Comment: This sequence change replaces glycine, which is neutral and non-polar, with arginine, which is basic and polar, at codon 914 of the ALK protein (p.Gly914Arg). This variant is not present in population databases (gnomAD no frequency). This variant has not been reported in the literature in individuals affected with ALK-related conditions. ClinVar contains an entry for this variant (Variation ID: 538240). An algorithm developed to predict the effect of missense changes on protein structure and function (PolyPhen-2) suggests that this variant is likely to be disruptive. Algorithms developed to predict the effect of sequence changes on RNA splicing suggest that this variant may create or strengthen a splice site. In summary, the available evidence is currently insufficient to determine the role of this variant in disease. Therefore, it has been classified as a Variant of Uncertain Significance.

Illumina Laboratory Services, Illumina
Classification: Uncertain significance for Neuroblastoma, susceptibility to, 3. Last evaluated: 2018-01-13. Review status: criteria provided, single submitter. Criteria: ICSL Variant Classification Criteria 13 December 2019. Collection method: clinical testing. Allele origin: germline.

NM_004304.5(ALK):c.2740G>A (p.Gly914Arg)

Gene: ALK (ALK receptor tyrosine kinase; minus strand). Cytogenetic location: 2p23.2.
Variant type: single nucleotide variant.
Coding change: c.2740G>A on transcript NM_004304.5 (MANE Select); coding-DNA position 2740, G replaced by A.
Protein change: p.Gly914Arg; replaces glycine 914 with arginine.
Molecular consequence: missense variant.
Genome position (GRCh38, 1-based): chr2:29,228,959, C>T on the plus strand (G>A on the coding strand, the complement: ALK is on the minus strand). VCF-style: chr2-29228959-C-T. GRCh37 (hg19) VCF-style: chr2-29451825-C-T.
Other names: short protein forms G914R.
Identifiers: ClinVar variation 538240 (VCV000538240.13), dbSNP rs1220052371, ClinGen allele CA346469739.